The following is an entry in ClinVar:

ClinVar aggregate classification (germline): Likely benign (1 of 4 stars; one submission).

Allele frequency attached by ClinVar (database versions not stated): ExAC 0.00001; TOPMed 0.00001; gnomAD 0.00002; gnomAD exomes 0.00002.
gnomAD v4.1: 33 of 1,590,744 alleles (0.0021%); highest among the groups gnomAD compares: African/African-American, 0.0067%; 2 homozygotes.

Submission:

CeGaT Center for Human Genetics Tuebingen
Classification: Likely benign. Last evaluated: 2023-12-01. Review status: criteria provided, single submitter. Criteria: CeGaT Center For Human Genetics Tuebingen Variant Classification Criteria Version 2. Collection method: clinical testing. Allele origin: germline. Affected: yes. Observed: 1 variant allele.
Comment: SETD1A: BP4, BP7

NM_014712.3(SETD1A):c.1899C>T (p.Leu633=)

Gene: SETD1A (SET domain containing 1A, histone lysine methyltransferase; plus strand). Cytogenetic location: 16p11.2.
Variant type: single nucleotide variant.
Coding change: c.1899C>T on transcript NM_014712.3 (MANE Select); coding-DNA position 1899, C replaced by T.
Protein change: p.Leu633=; no amino-acid change (leucine 633 retained).
Molecular consequence: synonymous variant.
Genome position (GRCh38, 1-based): chr16:30,965,780, C>T. VCF-style: chr16-30965780-C-T. GRCh37 (hg19) VCF-style: chr16-30977101-C-T.
Identifiers: ClinVar variation 3025707 (VCV003025707.22), dbSNP rs751877165, ClinGen allele CA8016804.
Genomic context (GRCh38, chr16:30,965,780, plus strand): 5'-TCCTCCTCCCTACCTGGCGTCCCTTCCTCTTGGTTATCCTCCCCACCAACCTGCCTACCT[C>T]CTCCCACCCAGACCTGATGGGCCGCCGCCCCCTGAGTACCCCCCACCTCCTCCACCACCC-3'
Protein context (NP_055527.1, residues 623-643): LGYPPHQPAY[Leu633=]LPPRPDGPPP